The following is an entry in ClinVar:

NM_003872.3(NRP2):c.1433T>C (p.Ile478Thr)

Gene: NRP2 (neuropilin 2; plus strand). Cytogenetic location: 2q33.3.
Variant type: single nucleotide variant.
Coding change: c.1433T>C on transcript NM_003872.3 (MANE Select); coding-DNA position 1433, T replaced by C.
Protein change: p.Ile478Thr; replaces isoleucine 478 with threonine.
Molecular consequence: missense variant.
Genome position (GRCh38, 1-based): chr2:205,743,344, T>C. VCF-style: chr2-205743344-T-C. GRCh37 (hg19) VCF-style: chr2-206608068-T-C.
Other names: c.1433T>C, p.Ile478Thr (NM_018534.4, NM_201264.2, NM_201266.2 and 2 more transcripts); short protein forms I478T.
Identifiers: ClinVar variation 3355204 (VCV003355204.1).

ClinVar aggregate classification (germline): Uncertain significance (0 of 4 stars; one submission).

Conditions:
NRP2-related disorder. Also called: NRP2-related condition.

Submission:

PreventionGenetics, part of Exact Sciences
Classification: Uncertain significance for NRP2-related condition. Last evaluated: 2024-01-17. Review status: no assertion criteria provided. Collection method: clinical testing. Allele origin: germline.
Comment: The NRP2 c.1433T>C variant is predicted to result in the amino acid substitution p.Ile478Thr. To our knowledge, this variant has not been reported in the literature or in a large population database, indicating this variant is rare. At this time, the clinical significance of this variant is uncertain due to the absence of conclusive functional and genetic evidence.